The following is an entry in ClinVar:

ClinVar aggregate classification (germline): Pathogenic (1 of 4 stars; one submission).

Submission:

Labcorp Genetics (formerly Invitae), Labcorp
Classification: Pathogenic. Last evaluated: 2024-12-11. Review status: criteria provided, single submitter. Criteria: Invitae Variant Classification Sherloc (09022015). Collection method: clinical testing. Allele origin: germline.
Comment: This sequence change creates a premature translational stop signal (p.Phe642Leufs*3) in the ABCB4 gene. It is expected to result in an absent or disrupted protein product. Loss-of-function variants in ABCB4 are known to be pathogenic (PMID: 17726488, 25755532). This variant is not present in population databases (gnomAD no frequency). This variant has not been reported in the literature in individuals affected with ABCB4-related conditions. For these reasons, this variant has been classified as Pathogenic.

Literature cited by the submitters: PubMed 17726488; PubMed 25755532.

NM_000443.4(ABCB4):c.1926del (p.Phe642fs)

Gene: ABCB4 (ATP binding cassette subfamily B member 4; minus strand). Cytogenetic location: 7q21.12.
Variant type: Deletion.
Coding change: c.1926del on transcript NM_000443.4 (MANE Select); coding-DNA position 1926, one base deleted (T; older notation c.1926delT).
Protein change: p.Phe642fs; shifts the reading frame from phenylalanine 642.
Molecular consequence: frameshift variant.
Genome position (GRCh38, 1-based): chr7:87,426,888, A deleted on the plus strand (T on the coding strand, the reverse complement: ABCB4 is on the minus strand); the first of 3 consecutive A bases (chr7:87,426,888-87,426,890); deleting any one gives the same sequence. VCF-style (leftmost placement, unchanged base first): chr7-87426887-CA-C. GRCh37 (hg19) VCF-style: chr7-87056203-CA-C.
Other names: c.1926del, p.Phe642fs (NM_018849.3, NM_018850.3); short protein forms F642fs.
Identifiers: ClinVar variation 3727085 (VCV003727085.2).